The following is an entry in ClinVar:

ClinVar aggregate classification (germline): Uncertain significance (1 of 4 stars; one submission).

Conditions:
Early-infantile DEE. Also called: Ohtahara syndrome; Early infantile epileptic encephalopathy with suppression bursts; Early infantile epileptic encephalopathy. Identifiers: Orphanet 1934, MedGen C0393706, MONDO:0800491.

gnomAD v4.1: 2 of 1,612,234 alleles (0.00012%); highest among the groups gnomAD compares: African/African-American, 0.0027%; no homozygotes.

Submission:

Labcorp Genetics (formerly Invitae), Labcorp
Classification: Uncertain significance for Early-infantile DEE. Last evaluated: 2024-03-26. Review status: criteria provided, single submitter. Criteria: Invitae Variant Classification Sherloc (09022015). Collection method: clinical testing. Allele origin: germline.
Comment: This sequence change replaces aspartic acid, which is acidic and polar, with histidine, which is basic and polar, at codon 182 of the SCN1A protein (p.Asp182His). This variant is not present in population databases (gnomAD no frequency). This variant has not been reported in the literature in individuals affected with SCN1A-related conditions. Advanced modeling of protein sequence and biophysical properties (such as structural, functional, and spatial information, amino acid conservation, physicochemical variation, residue mobility, and thermodynamic stability) performed at Invitae indicates that this missense variant is not expected to disrupt SCN1A protein function with a negative predictive value of 95%. Algorithms developed to predict the effect of sequence changes on RNA splicing suggest that this variant may disrupt the consensus splice site. In summary, the available evidence is currently insufficient to determine the role of this variant in disease. Therefore, it has been classified as a Variant of Uncertain Significance.

NM_001165963.4(SCN1A):c.544G>C (p.Asp182His)

Gene: SCN1A (sodium voltage-gated channel alpha subunit 1; minus strand). Cytogenetic location: 2q24.3.
Variant type: single nucleotide variant.
Coding change: c.544G>C on transcript NM_001165963.4 (MANE Select); coding-DNA position 544, G replaced by C.
Protein change: p.Asp182His; replaces aspartic acid 182 with histidine.
Molecular consequence: missense variant. On other transcripts: 5 prime UTR variant (1), non-coding transcript variant (1).
Genome position (GRCh38, 1-based): chr2:166,054,696, C>G on the plus strand (G>C on the coding strand, the complement: SCN1A is on the minus strand). VCF-style: chr2-166054696-C-G. GRCh37 (hg19) VCF-style: chr2-166911206-C-G.
Other names: c.544G>C, p.Asp182His (NM_001165964.3, NM_001202435.3, NM_001353948.2 and 10 more transcripts); c.-1882G>C (NM_001353961.2); short protein forms D182H.
Identifiers: ClinVar variation 3717649 (VCV003717649.2).